The following is an entry in ClinVar:

ClinVar aggregate classification (germline): Uncertain significance (1 of 4 stars; one submission).

Conditions:
COG5-congenital disorder of glycosylation. Also called: CDG IIi; COG5-CDG; CONGENITAL DISORDER OF GLYCOSYLATION, TYPE IIi. Identifiers: Orphanet 263487, MedGen C3150876, MONDO:0013325, OMIM 613612.

Allele frequency attached by ClinVar (database versions not stated): gnomAD exomes below 0.00001.
gnomAD v4.1: 1 of 1,613,950 alleles (0.000062%); highest among the groups gnomAD compares: African/African-American, 0.0013%; no homozygotes.

Submission:

Labcorp Genetics (formerly Invitae), Labcorp
Classification: Uncertain significance for COG5-congenital disorder of glycosylation. Last evaluated: 2022-12-06. Review status: criteria provided, single submitter. Criteria: Invitae Variant Classification Sherloc (09022015). Collection method: clinical testing. Allele origin: germline.
Comment: In summary, the available evidence is currently insufficient to determine the role of this variant in disease. Therefore, it has been classified as a Variant of Uncertain Significance. Algorithms developed to predict the effect of missense changes on protein structure and function output the following: SIFT: "Tolerated"; PolyPhen-2: "Benign"; Align-GVGD: "Class C0". The leucine amino acid residue is found in multiple mammalian species, which suggests that this missense change does not adversely affect protein function. ClinVar contains an entry for this variant (Variation ID: 1475533). This variant has not been reported in the literature in individuals affected with COG5-related conditions. This variant is not present in population databases (gnomAD no frequency). This sequence change replaces valine, which is neutral and non-polar, with leucine, which is neutral and non-polar, at codon 849 of the COG5 protein (p.Val849Leu).

NM_006348.5(COG5):c.2452G>C (p.Val818Leu)

Gene: COG5 (component of oligomeric golgi complex 5; minus strand). Cytogenetic location: 7q22.3.
Variant type: single nucleotide variant.
Coding change: c.2452G>C on transcript NM_006348.5 (MANE Select); coding-DNA position 2452, G replaced by C.
Protein change: p.Val818Leu; replaces valine 818 with leucine.
Molecular consequence: missense variant.
Genome position (GRCh38, 1-based): chr7:107,203,554, C>G on the plus strand (G>C on the coding strand, the complement: COG5 is on the minus strand). VCF-style: chr7-107203554-C-G. GRCh37 (hg19) VCF-style: chr7-106843999-C-G.
Other names: c.2290G>C, p.Val764Leu (NM_001379511.1); c.2278G>C, p.Val760Leu (NM_001379512.1); c.2245G>C, p.Val749Leu (NM_001379513.1); c.2137G>C, p.Val713Leu (NM_001379514.1); c.1882G>C, p.Val628Leu (NM_001379515.1); c.1738G>C, p.Val580Leu (NM_001379516.1); c.2389G>C, p.Val797Leu (NM_181733.4); short protein forms V628L, V764L, V818L, V580L, V713L, V760L, V797L, V749L.
Identifiers: ClinVar variation 1475533 (VCV001475533.8), dbSNP rs2116084715, ClinGen allele CA368837972.
Genomic context (GRCh38, chr7:107,203,554, plus strand): 5'-GATGAACAAAGATTTCATGTCATTACTGAAGAGCAGACATAGCCTTTTGAAGCAGCTGAA[C>G]CATTATGGGATAAACTGGTGCAAATTCTTTGCCTTCTCTACTTCTCACTGATTGAACATA-3'
Protein context (NP_006339.4, residues 808-828): KEFAPVYPIM[Val818Leu]QLLQKAMSAL